The following is an entry in ClinVar:

ClinVar aggregate classification (germline): Uncertain significance (1 of 4 stars; one submission).

Submission:

GeneDx
Classification: Uncertain significance. Last evaluated: 2024-06-24. Review status: criteria provided, single submitter. Criteria: GeneDx Variant Classification Process June 2021. Collection method: clinical testing. Allele origin: germline. Affected: yes.
Comment: Not observed at significant frequency in large population cohorts (gnomAD); In silico analysis indicates that this missense variant does not alter protein structure/function; Has not been previously published as pathogenic or benign to our knowledge

NM_001356.5(DDX3X):c.185C>T (p.Ser62Phe)

Gene: DDX3X (DEAD-box helicase 3 X-linked; plus strand). Cytogenetic location: Xp11.4.
Variant type: single nucleotide variant.
Coding change: c.185C>T on transcript NM_001356.5 (MANE Select); coding-DNA position 185, C replaced by T.
Protein change: p.Ser62Phe; replaces serine 62 with phenylalanine.
Molecular consequence: missense variant. On other transcripts: 5 prime UTR variant (1), non-coding transcript variant (1).
Genome position (GRCh38, 1-based): chrX:41,341,517, C>T. VCF-style: chrX-41341517-C-T. GRCh37 (hg19) VCF-style: chrX-41200770-C-T.
Other names: c.185C>T, p.Ser62Phe (NM_001193416.3); c.137C>T, p.Ser46Phe (NM_001193417.3); c.-374C>T (NM_001363819.1); short protein forms S46F, S62F.
Identifiers: ClinVar variation 3392639 (VCV003392639.1).